The following is an entry in ClinVar:

NM_016363.5(GP6):c.932CCCTCCCGC[1] (p.308PLP[2])

Gene: GP6 (glycoprotein VI platelet; minus strand). Cytogenetic location: 19q13.42.
Variant type: Microsatellite.
Coding change: c.932CCCTCCCGC[1] on transcript NM_016363.5 (MANE Select); one copy of the 9-base unit CCCTCCCGC starting at c.932; the reference has two copies in a row; one copy, 9 bases deleted.
Protein change: p.308PLP[2].
Molecular consequence: inframe deletion.
Genome position (GRCh38, 1-based): chr19:55,014,992-55,015,000, GCGGGAGGG deleted on the plus strand (CCCTCCCGC on the coding strand, the reverse complement: GP6 is on the minus strand); deleting any 9 consecutive bases within chr19:55,014,992-55,015,013 gives the same sequence; the position shown is the placement nearest the transcript's 3' end. VCF-style (leftmost placement, unchanged base first): chr19-55014991-AGCGGGAGGG-A. GRCh37 (hg19) VCF-style: chr19-55526359-AGCGGGAGGG-A.
Other names: p.Pro316_Ala318del; c.945_953del (NM_001083899.2); c.936CCCTCCCGC[1], p.313PPA[1] (NM_001083899.2); c.878CCCTCCCGC[1], p.290PLP[2] (NM_001256017.2); c.945_953del9 (NM_001083899.2); c.945_953delCCCTCCCGC (NM_001083899.2).
Identifiers: ClinVar variation 2049192 (VCV002049192.9), dbSNP rs760157972, ClinGen allele CA310121767.

ClinVar aggregate classification (germline): Likely benign. Review status: criteria provided, multiple submitters, no conflicts (2 of 4 stars). 4 submissions from 4 submitters: Likely benign (3). 1 of the submissions does not count toward it. Last evaluated 2025-12-28.

Conditions:
GP6-related disorder. Also called: GP6-related condition.

Submissions (4):

Labcorp Genetics (formerly Invitae), Labcorp
Classification: Likely benign. Last evaluated: 2025-12-28. Review status: criteria provided, single submitter. Criteria: Invitae Variant Classification Sherloc (09022015). Collection method: clinical testing. Allele origin: germline.

Mayo Clinic Laboratories, Mayo Clinic
Classification: Likely benign. Last evaluated: 2025-01-15. Review status: criteria provided, single submitter. Criteria: ACMG Guidelines, 2015. Collection method: clinical testing. Allele origin: germline. Observed: 1 variant allele.
Comment: BS1, BS2_supporting, PM4

Women's Health and Genetics/Laboratory Corporation of America, LabCorp
Classification: Likely benign. Last evaluated: 2024-09-13. Review status: criteria provided, single submitter. Criteria: LabCorp Variant Classification Summary - May 2015. Collection method: clinical testing. Allele origin: germline.
Comment: Variant summary: GP6 c.945_953delCCCTCCCGC (p.Pro316_Ala318del) results in an in-frame deletion that is predicted to remove 3 amino acids from the encoded protein. The variant allele was found at a frequency of 0.00044 in 245108 control chromosomes, predominantly at a frequency of 0.006 within the African or African-American subpopulation in the gnomAD database, including 1 homozygotes. The observed variant frequency within African or African-American control individuals in the gnomAD database exceeds the estimated maximal expected allele frequency for a pathogenic variant in GP6 causing Platelet-Type Bleeding Disorder 11 phenotype. To our knowledge, no occurrence of c.945_953delCCCTCCCGC in individuals affected with Platelet-Type Bleeding Disorder 11 and no experimental evidence demonstrating its impact on protein function have been reported. ClinVar contains an entry for this variant (Variation ID: 2049192). Based on the evidence outlined above, the variant was classified as likely benign.

PreventionGenetics, part of Exact Sciences
Classification: Likely benign for GP6-related condition. Last evaluated: 2019-07-15. Review status: no assertion criteria provided. Collection method: clinical testing. Allele origin: germline. Not counted in ClinVar's aggregate classification.
Comment: This variant is classified as likely benign based on ACMG/AMP sequence variant interpretation guidelines (Richards et al. 2015 PMID: 25741868, with internal and published modifications).